The following is an entry in ClinVar:

ClinVar aggregate classification (germline): Uncertain significance (1 of 4 stars; one submission).

Conditions:
Neurofibromatosis, type 1 (NF1). Also called: NEUROFIBROMATOSIS, TYPE I, SOMATIC; Peripheral type neurofibromatosis; Neurofibromatosis, type I; VON RECKLINGHAUSEN DISEASE. Identifiers: Orphanet 636, MedGen C0027831, MONDO:0018975, OMIM 162200. Disease mechanism: loss of function.

Submission:

Labcorp Genetics (formerly Invitae), Labcorp
Classification: Uncertain significance for Neurofibromatosis, type 1. Last evaluated: 2021-11-08. Review status: criteria provided, single submitter. Criteria: Invitae Variant Classification Sherloc (09022015). Collection method: clinical testing. Allele origin: germline.
Comment: This sequence change replaces serine, which is neutral and polar, with isoleucine, which is neutral and non-polar, at codon 2730 of the NF1 protein (p.Ser2730Ile). This variant is not present in population databases (gnomAD no frequency). This variant has not been reported in the literature in individuals affected with NF1-related conditions. Advanced modeling of protein sequence and biophysical properties (such as structural, functional, and spatial information, amino acid conservation, physicochemical variation, residue mobility, and thermodynamic stability) performed at Invitae indicates that this missense variant is not expected to disrupt NF1 protein function. In summary, the available evidence is currently insufficient to determine the role of this variant in disease. Therefore, it has been classified as a Variant of Uncertain Significance.

NM_001042492.3(NF1):c.8252G>T (p.Ser2751Ile)

Gene: NF1 (neurofibromin 1; plus strand). Cytogenetic location: 17q11.2.
Variant type: single nucleotide variant.
Coding change: c.8252G>T on transcript NM_001042492.3 (MANE Select); coding-DNA position 8252, G replaced by T.
Protein change: p.Ser2751Ile; replaces serine 2751 with isoleucine.
Molecular consequence: missense variant.
Genome position (GRCh38, 1-based): chr17:31,360,578, G>T. VCF-style: chr17-31360578-G-T. GRCh37 (hg19) VCF-style: chr17-29687596-G-T.
Other names: c.8189G>T, p.Ser2730Ile (NM_000267.4); short protein forms S2751I, S2730I.
Identifiers: ClinVar variation 1401945 (VCV001401945.6), dbSNP rs2151587925, ClinGen allele CA399204693.